The following is an entry in ClinVar:

ClinVar aggregate classification (germline): Benign/Likely benign. Review status: criteria provided, multiple submitters, no conflicts (2 of 4 stars). 12 submissions from 12 submitters: Benign (6); Likely benign (2). 4 of the submissions do not count toward it. Last evaluated 2026-02-04.

Allele frequency attached by ClinVar (database versions not stated): 1000 Genomes Project 30x 0.18270; 1000 Genomes Project 0.18470; TOPMed 0.18480; gnomAD 0.19565 and 0.20025; ESP Exome Variant Server 0.19668; gnomAD exomes 0.21072 and 0.21846; ExAC 0.22033.
gnomAD v4.1: 338,450 of 1,614,068 alleles (21%); highest among the groups gnomAD compares: South Asian, 35%; 38,152 homozygotes.

Submissions (12):

Labcorp Genetics (formerly Invitae), Labcorp
Classification: Benign. Last evaluated: 2026-02-04. Review status: criteria provided, single submitter. Criteria: Invitae Variant Classification Sherloc (09022015). Collection method: clinical testing. Allele origin: germline.

Blueprint Genetics
Classification: Benign. Last evaluated: 2024-11-27. Review status: criteria provided, single submitter. Criteria: ACMG Guidelines, 2015. Collection method: clinical testing. Allele origin: germline.

Women's Health and Genetics/Laboratory Corporation of America, LabCorp
Classification: Likely benign. Last evaluated: 2021-12-03. Review status: criteria provided, single submitter. Criteria: LabCorp Variant Classification Summary - May 2015. Collection method: clinical testing. Allele origin: germline.

GeneDx
Classification: Benign. Last evaluated: 2018-10-22. Review status: criteria provided, single submitter. Criteria: GeneDx Variant Classification Process June 2021. Collection method: clinical testing. Allele origin: germline. Affected: yes.
Comment: This variant is associated with the following publications: (PMID: 17119055, 20220177, 9443879)

Eurofins Ntd Llc (ga)
Classification: Benign. Last evaluated: 2014-12-17. Review status: criteria provided, single submitter. Criteria: EGL Classification Definitions 2015. Collection method: clinical testing. Allele origin: germline. Observed: 1 variant allele, 1 heterozygote.

Claritas Genomics
Classification: Benign. Last evaluated: 2012-06-29. Review status: criteria provided, single submitter. Criteria: ACMG Guidelines, 2007. Collection method: clinical testing. Allele origin: germline. Inheritance: Autosomal recessive inheritance.

Breakthrough Genomics
Classification: Likely benign. Review status: criteria provided, single submitter. Criteria: ACMG Guidelines, 2015. Collection method: not provided. Allele origin: germline. Inheritance: Autosomal recessive inheritance. Affected: yes.

PreventionGenetics, part of Exact Sciences
Classification: Benign. Review status: criteria provided, single submitter. Criteria: ACMG Guidelines, 2015. Collection method: clinical testing. Allele origin: germline.

Clinical Genetics DNA and cytogenetics Diagnostics Lab, Erasmus MC, Erasmus Medical Center
Classification: Benign. Review status: no assertion criteria provided. Collection method: clinical testing. Allele origin: germline. Affected: yes. Study: VKGL Data-share Consensus. Not counted in ClinVar's aggregate classification.

Diagnostic Laboratory, Department of Genetics, University Medical Center Groningen
Classification: Benign. Review status: no assertion criteria provided. Collection method: clinical testing. Allele origin: germline. Affected: yes. Study: VKGL Data-share Consensus. Not counted in ClinVar's aggregate classification.

Genetic Services Laboratory, University of Chicago
Classification: Likely benign for AllHighlyPenetrant. Review status: no assertion criteria provided. Collection method: clinical testing. Allele origin: germline. Not counted in ClinVar's aggregate classification.
Comment: Likely benign based on allele frequency in 1000 Genomes Project or ESP global frequency and its presence in a patient with a rare or unrelated disease phenotype. NOT Sanger confirmed.

Joint Genome Diagnostic Labs from Nijmegen and Maastricht, Radboudumc and MUMC+
Classification: Benign. Review status: no assertion criteria provided. Collection method: clinical testing. Allele origin: germline. Affected: yes. Study: VKGL Data-share Consensus. Not counted in ClinVar's aggregate classification.

NM_000124.4(ERCC6):c.3637A>G (p.Arg1213Gly)

Gene: ERCC6 (ERCC excision repair 6, chromatin remodeling factor; minus strand). Cytogenetic location: 10q11.23.
Variant type: single nucleotide variant.
Coding change: c.3637A>G on transcript NM_000124.4 (MANE Select); coding-DNA position 3637, A replaced by G.
Protein change: p.Arg1213Gly; replaces arginine 1213 with glycine.
Molecular consequence: missense variant.
Genome position (GRCh38, 1-based): chr10:49,470,323, T>C on the plus strand (A>G on the coding strand, the complement: ERCC6 is on the minus strand). VCF-style: chr10-49470323-T-C. GRCh37 (hg19) VCF-style: chr10-50678369-T-C.
Other names: c.3637A>G, p.Arg1213Gly (NM_001346440.2); short protein forms R1213G.
Identifiers: ClinVar variation 129017 (VCV000129017.32), dbSNP rs2228527, ClinGen allele CA152785.